The following is an entry in ClinVar:

ClinVar aggregate classification (germline): Pathogenic (3 of 4 stars; one submission).

Conditions:
Hereditary antithrombin deficiency (AT3D). Also called: Reduced antithrombin III activity; Antithrombin deficiency; Antithrombin III deficiency; Thrombophilia due to antithrombin III deficiency. Identifiers: Orphanet 82, MedGen C0272375, MONDO:0013144, OMIM 613118, HP:0001976.

Submission:

Clingen Thrombosis Variant Curation Expert Panel, ClinGen
Classification: Pathogenic for Hereditary antithrombin deficiency. Last evaluated: 2023-09-21. Review status: reviewed by expert panel. Criteria: ClinGen ACMG Specifications SERPINC1 V1.0.0. Collection method: curation. Allele origin: germline. Inheritance: Autosomal dominant inheritance.
Comment: The c.778A>T, p.Lys260* (NM_000488.3) in SERPINC1 is a nonsense variant predicted to cause a premature stop codon at codon 260 in biologically-relevant exon 5/7 that leads to nonsense mediated decay (PVS1). This variant is absent from gnomAD v2.1.1 (PM2_Supporting). This variant has been reported in 1 proband with antithrombin activity level of 48 meeting the SERPINC1-phenotypic criteria (AT level of <0.8 IU/mL, no repeat testing) (PS4_Supporting; Internal lab contributors). In summary, this variant meets criteria to be classified as pathogenic. ACMG/AMP criteria applied, as specified by the Thrombosis Variant Curation Expert Panel for SERPINC1: PVS1, PM2_Supporting, PS4_Supporting.

NM_000488.4(SERPINC1):c.778A>T (p.Lys260Ter)

Gene: SERPINC1 (serpin family C member 1; minus strand). Cytogenetic location: 1q25.1.
Variant type: single nucleotide variant.
Coding change: c.778A>T on transcript NM_000488.4 (MANE Select); coding-DNA position 778, A replaced by T.
Protein change: p.Lys260Ter; replaces lysine 260 with a stop codon.
Molecular consequence: nonsense. On other transcripts: intron variant (1).
Genome position (GRCh38, 1-based): chr1:173,909,927, T>A on the plus strand (A>T on the coding strand, the complement: SERPINC1 is on the minus strand). VCF-style: chr1-173909927-T-A. GRCh37 (hg19) VCF-style: chr1-173879065-T-A.
Other names: NM_001386306.1:c.562A>T; c.634A>T, p.Lys212Ter (NM_001365052.2); c.901A>T, p.Lys301Ter (NM_001386302.1); c.859A>T, p.Lys287Ter (NM_001386303.1); c.757A>T, p.Lys253Ter (NM_001386304.1); c.562A>T, p.Lys188Ter (NM_001386306.1); c.763-42A>T (NM_001386305.1); short protein forms K188*, K212*, K253*, K260*, K287*, K301*.
Identifiers: ClinVar variation 2581081 (VCV002581081.2), dbSNP rs2526572347, ClinGen allele CA343774795.